The following is an entry in ClinVar:

ClinVar aggregate classification (germline): Conflicting classifications of pathogenicity. Review status: criteria provided, conflicting classifications (1 of 4 stars). 6 submissions from 6 submitters: Likely pathogenic (2); Uncertain significance (3). 1 of the submissions does not count toward it. Last evaluated 2026-03-26.

Conditions:
Neonatal encephalomyopathy-cardiomyopathy-respiratory distress syndrome. Also called: Coenzyme Q10 deficiency, primary, 7. Identifiers: Orphanet 457185, MedGen C5568562, MONDO:0014562, OMIM 616276.
Spastic ataxia 10, autosomal recessive (SPAX10). Identifiers: MedGen C5882738, MONDO:0958009, OMIM 620666.

Allele frequency attached by ClinVar (database versions not stated): gnomAD exomes 0.00001 and 0.00003; TOPMed 0.00003; ExAC 0.00001; gnomAD 0.00003; ESP Exome Variant Server 0.00008.

Submissions (6):

Women's Health and Genetics/Laboratory Corporation of America, LabCorp
Classification: Likely pathogenic for Neonatal encephalomyopathy-cardiomyopathy-respiratory distress syndrome. Last evaluated: 2026-03-26. Review status: criteria provided, single submitter. Criteria: LabCorp Variant Classification Summary - May 2015. Collection method: clinical testing. Allele origin: germline.
Comment: Variant summary: COQ4 c.304C>T (p.Arg102Cys) results in a non-conservative amino acid change in the encoded protein sequence. Algorithms developed to predict the effect of missense changes on protein structure and function all suggest that this variant is likely to be disruptive. The variant allele was found at a frequency of 2.8e-05 in 250898 control chromosomes. c.304C>T has been observed in individuals affected with hereditary spastic paraplegia (Wei_2023, internal data). These data indicate that the variant may be associated with disease. To our knowledge, no experimental evidence demonstrating an impact on protein function has been reported. A different variant affecting the same codon has been classified as likely pathogenic (c.305G>A, p.Arg102His), supporting the critical relevance of codon 102 to COQ4 protein function. The following publications have been ascertained in the context of this evaluation (PMID: 36552517, 38013626). ClinVar contains an entry for this variant (Variation ID: 634502). Based on the evidence outlined above, the variant was classified as likely pathogenic.

3billion
Classification: Uncertain significance for Spastic ataxia 10, autosomal recessive. Last evaluated: 2025-12-26. Review status: criteria provided, single submitter. Criteria: ACMG Guidelines, 2015. Collection method: clinical testing. Allele origin: germline. Affected: yes.
Comment: The variant is observed at an extremely low frequency in the gnomAD v4.1.0 dataset (total allele frequency: 0.001%). Predicted Consequence/Location: Missense variant In silico tool predictions suggest damaging effect of the variant on gene or gene product [REVEL: 0.63 (>=0.6, sensitivity 0.68 and specificity 0.92); 3Cnet: 0.85 (> 0.75, sensitivity 0.96 and precision 0.92)]. The same nucleotide change resulting in the same amino acid change has been previously reported to be associated with COQ4-related disorder (ClinVar ID: VCV000634502 /PMID: 38013626).A different missense change at the same codon (p.Arg102His) has been reported to be associated with COQ4-related disorder (ClinVar ID: VCV000915899 /PMID: 33704555). However the evidence of pathogenicity is insufficient at this time. Therefore, this variant is classified as VUS according to the recommendation of ACMG/AMP guideline.

Labcorp Genetics (formerly Invitae), Labcorp
Classification: Likely pathogenic for Neonatal encephalomyopathy-cardiomyopathy-respiratory distress syndrome. Last evaluated: 2025-10-27. Review status: criteria provided, single submitter. Criteria: Invitae Variant Classification Sherloc (09022015). Collection method: clinical testing. Allele origin: germline.
Comment: This sequence change replaces arginine, which is basic and polar, with cysteine, which is neutral and slightly polar, at codon 102 of the COQ4 protein (p.Arg102Cys). This variant is present in population databases (rs371984550, gnomAD 0.01%). This missense change has been observed in individual(s) with hereditary spastic paraplegia (PMID: 38013626; internal data). In at least one individual the data is consistent with being in trans (on the opposite chromosome) from a pathogenic variant. ClinVar contains an entry for this variant (Variation ID: 634502). Invitae Evidence Modeling of protein sequence and biophysical properties (such as structural, functional, and spatial information, amino acid conservation, physicochemical variation, residue mobility, and thermodynamic stability) has been performed for this missense variant. However, the output from this modeling did not meet the statistical confidence thresholds required to predict the impact of this variant on COQ4 protein function. This variant disrupts the p.Arg102 amino acid residue in COQ4. Other variant(s) that disrupt this residue have been determined to be pathogenic (PMID: 33704555, 36047608). This suggests that this residue is clinically significant, and that variants that disrupt this residue are likely to be disease-causing. In summary, the currently available evidence indicates that the variant is pathogenic, but additional data are needed to prove that conclusively. Therefore, this variant has been classified as Likely Pathogenic.

Mayo Clinic Laboratories, Mayo Clinic
Classification: Uncertain significance. Last evaluated: 2025-05-12. Review status: criteria provided, single submitter. Criteria: ACMG Guidelines, 2015. Collection method: clinical testing. Allele origin: germline. Observed: 2 variant alleles.
Comment: PM2_supporting

Genomic Research Center, Shahid Beheshti University of Medical Sciences
Classification: Uncertain significance for Coenzyme Q10 deficiency, primary, 7. Last evaluated: 2019-01-01. Review status: criteria provided, single submitter. Criteria: ACMG Guidelines, 2015. Collection method: clinical testing. Allele origin: inherited. Affected: yes. Observed: 1 variant allele.

OMIM
Classification: Pathogenic for SPASTIC ATAXIA 10, AUTOSOMAL RECESSIVE. Last evaluated: 2024-05-07. Review status: no assertion criteria provided. Collection method: literature only. Allele origin: germline. Not counted in ClinVar's aggregate classification.

Literature cited by the submitters: PubMed 38013626 (cited by 5 submitters); PubMed 36552517 (cited by Women's Health and Genetics/Laboratory Corporation of America, LabCorp); PubMed 33704555 (cited by 3billion and Labcorp Genetics (formerly Invitae), Labcorp); PubMed 36047608 (cited by Labcorp Genetics (formerly Invitae), Labcorp).

NM_016035.5(COQ4):c.304C>T (p.Arg102Cys)

Gene: COQ4 (coenzyme Q4; plus strand). Cytogenetic location: 9q34.11.
Variant type: single nucleotide variant.
Coding change: c.304C>T on transcript NM_016035.5 (MANE Select); coding-DNA position 304, C replaced by T.
Protein change: p.Arg102Cys; replaces arginine 102 with cysteine.
Molecular consequence: missense variant. On other transcripts: synonymous variant (1).
Genome position (GRCh38, 1-based): chr9:128,325,783, C>T. VCF-style: chr9-128325783-C-T. GRCh37 (hg19) VCF-style: chr9-131088062-C-T.
Other names: p.Arg102Cys; c.207C>T, p.Ser69= (NM_001305942.2); short protein forms R102C.
Identifiers: ClinVar variation 634502 (VCV000634502.11), dbSNP rs371984550, ClinGen allele CA5260510.